The following is an entry in ClinVar:

NM_001277115.2(DNAH11):c.9468T>C (p.Asp3156=)

Gene: DNAH11 (dynein axonemal heavy chain 11; plus strand). Cytogenetic location: 7p15.3.
Variant type: single nucleotide variant.
Coding change: c.9468T>C on transcript NM_001277115.2 (MANE Select); coding-DNA position 9468, T replaced by C.
Protein change: p.Asp3156=; no amino-acid change (aspartic acid 3156 retained).
Molecular consequence: synonymous variant.
Genome position (GRCh38, 1-based): chr7:21,779,089, T>C. VCF-style: chr7-21779089-T-C. GRCh37 (hg19) VCF-style: chr7-21818707-T-C.
Other names: p.Asp3156=.
Identifiers: ClinVar variation 221006 (VCV000221006.50), dbSNP rs201207627, ClinGen allele CA349149.

ClinVar aggregate classification (germline): Benign/Likely benign. Review status: criteria provided, multiple submitters, no conflicts (2 of 4 stars). 7 submissions from 7 submitters: Benign (3); Likely benign (4). Last evaluated 2026-08-01.

Conditions:
Primary ciliary dyskinesia. Also called: Ciliary dyskinesia. Identifiers: Orphanet 244, MedGen C0008780, MONDO:0016575, HP:0012265.

Allele frequency attached by ClinVar (database versions not stated): 1000 Genomes Project 0.00020; 1000 Genomes Project 30x 0.00031; TOPMed 0.00176; ESP Exome Variant Server 0.00273; gnomAD 0.00299.
gnomAD v4.1: 4,277 of 1,612,686 alleles (0.27%); highest among the groups gnomAD compares: Non-Finnish European, 0.33%; 12 homozygotes.

Submissions (7):

CeGaT Center for Human Genetics Tuebingen
Classification: Likely benign. Last evaluated: 2026-08-01. Review status: criteria provided, single submitter. Criteria: CeGaT Center For Human Genetics Tuebingen Variant Classification Criteria Version 2. Collection method: clinical testing. Allele origin: germline. Affected: yes. Observed: 5 variant alleles.
Comment: DNAH11: BP4, BP7

Labcorp Genetics (formerly Invitae), Labcorp
Classification: Benign for Primary ciliary dyskinesia. Last evaluated: 2026-01-29. Review status: criteria provided, single submitter. Criteria: Invitae Variant Classification Sherloc (09022015). Collection method: clinical testing. Allele origin: germline.

Mayo Clinic Laboratories, Mayo Clinic
Classification: Benign. Last evaluated: 2025-04-22. Review status: criteria provided, single submitter. Criteria: ACMG Guidelines, 2015. Collection method: clinical testing. Allele origin: germline. Observed: 2 variant alleles.
Comment: BS1, BS2, BP4, BP7

Blueprint Genetics
Classification: Likely benign. Last evaluated: 2024-11-26. Review status: criteria provided, single submitter. Criteria: ACMG Guidelines, 2015. Collection method: clinical testing. Allele origin: germline.

GeneDx
Classification: Likely benign. Last evaluated: 2020-02-15. Review status: criteria provided, single submitter. Criteria: GeneDx Variant Classification Process June 2021. Collection method: clinical testing. Allele origin: germline. Affected: yes.
Comment: This variant is associated with the following publications: (PMID: 26302956)

Eurofins Ntd Llc (ga)
Classification: Benign. Last evaluated: 2016-09-29. Review status: criteria provided, single submitter. Criteria: EGL Classification Definitions 2015. Collection method: clinical testing. Allele origin: germline. Observed: 2 variant alleles, 2 heterozygotes.

PreventionGenetics, part of Exact Sciences
Classification: Likely benign. Review status: criteria provided, single submitter. Criteria: ACMG Guidelines, 2015. Collection method: clinical testing. Allele origin: germline.